The following is an entry in ClinVar:

NM_053025.4(MYLK):c.2364T>C (p.His788=)

Gene: MYLK (myosin light chain kinase; minus strand). Cytogenetic location: 3q21.1.
Variant type: single nucleotide variant.
Coding change: c.2364T>C on transcript NM_053025.4 (MANE Select); coding-DNA position 2364, T replaced by C.
Protein change: p.His788=; no amino-acid change (histidine 788 retained).
Molecular consequence: synonymous variant.
Genome position (GRCh38, 1-based): chr3:123,707,780, A>G on the plus strand (T>C on the coding strand, the complement: MYLK is on the minus strand). VCF-style: chr3-123707780-A-G. GRCh37 (hg19) VCF-style: chr3-123426627-A-G.
Other names: c.1836T>C, p.His612= (NM_001321309.2); c.2157T>C, p.His719= (NM_053026.4, NM_053028.4); c.2364T>C, p.His788= (NM_053027.4).
Identifiers: ClinVar variation 699537 (VCV000699537.17), dbSNP rs113910371, ClinGen allele CA068426.

ClinVar aggregate classification (germline): Likely benign. Review status: criteria provided, multiple submitters, no conflicts (2 of 4 stars). 5 submissions from 5 submitters: Likely benign (4). 1 of the submissions does not count toward it. Last evaluated 2026-01-12.

Conditions:
Familial thoracic aortic aneurysm and aortic dissection (TAAD). Also called: Thoracic aortic aneurysms and dissections. Identifiers: Orphanet 91387, MedGen C4707243, MONDO:0019625.
Aortic aneurysm, familial thoracic 7 (AAT7). Also called: AORTIC DISSECTION, FAMILIAL, WITH OR WITHOUT AORTIC ANEURYSM. Identifiers: MedGen C3151077, MONDO:0013418, OMIM 613780.
MYLK-related disorder. Also called: MYLK-related condition.

Allele frequency attached by ClinVar (database versions not stated): gnomAD exomes 0.00002 and 0.00004; ExAC 0.00007; ESP Exome Variant Server 0.00008; TOPMed 0.00012; gnomAD 0.00013 and 0.00014; 1000 Genomes Project 30x 0.00016; 1000 Genomes Project 0.00020.

Submissions (5):

Labcorp Genetics (formerly Invitae), Labcorp
Classification: Likely benign for Aortic aneurysm, familial thoracic 7. Last evaluated: 2026-01-12. Review status: criteria provided, single submitter. Criteria: Invitae Variant Classification Sherloc (09022015). Collection method: clinical testing. Allele origin: germline.

Women's Health and Genetics/Laboratory Corporation of America, LabCorp
Classification: Likely benign. Last evaluated: 2025-07-17. Review status: criteria provided, single submitter. Criteria: LabCorp Variant Classification Summary - May 2015. Collection method: clinical testing. Allele origin: germline.

Ambry Genetics
Classification: Likely benign for Familial thoracic aortic aneurysm and aortic dissection. Last evaluated: 2022-06-06. Review status: criteria provided, single submitter. Criteria: Ambry Variant Classification Scheme 2023. Collection method: clinical testing. Allele origin: germline.

GeneDx
Classification: Likely benign. Last evaluated: 2021-07-16. Review status: criteria provided, single submitter. Criteria: GeneDx Variant Classification Process June 2021. Collection method: clinical testing. Allele origin: germline. Affected: yes.
Comment: This variant is associated with the following publications: (PMID: 26582918)

PreventionGenetics, part of Exact Sciences
Classification: Likely benign for MYLK-related condition. Last evaluated: 2020-12-22. Review status: no assertion criteria provided. Collection method: clinical testing. Allele origin: germline. Not counted in ClinVar's aggregate classification.
Comment: This variant is classified as likely benign based on ACMG/AMP sequence variant interpretation guidelines (Richards et al. 2015 PMID: 25741868, with internal and published modifications).